The following continues an entry in ClinVar:

NM_206933.4(USH2A):c.920_923dup (p.His308fs)

Gene: USH2A. ClinVar aggregate classification (germline): Pathogenic. Pathogenic (26).

Submissions 15 to 34 of 34:

Institute of Human Genetics, University of Leipzig Medical Center
Classification: Pathogenic for Retinitis pigmentosa 39. Last evaluated: 2022-03-29. Review status: criteria provided, single submitter. Criteria: ACMG Guidelines, 2015. Collection method: clinical testing. Allele origin: maternal. Inheritance: Autosomal recessive inheritance. Affected: yes.

Institute of Human Genetics, University of Leipzig Medical Center
Classification: Pathogenic for Retinal degeneration; Retinal dystrophy. Last evaluated: 2022-03-22. Review status: criteria provided, single submitter. Criteria: ACMG Guidelines, 2015. Collection method: clinical testing. Allele origin: unknown. Affected: yes.
Comment: This variant was identified as compound heterozygous with NM_206933.4:c.14219C>A._x000D_ Criteria applied: PVS1, PM3_VSTR, PP3

Institute of Human Genetics, Univ. Regensburg, Univ. Regensburg
Classification: Pathogenic for Retinal dystrophy. Last evaluated: 2022-01-01. Review status: criteria provided, single submitter. Criteria: ACMG Guidelines, 2015. Collection method: clinical testing. Allele origin: germline. Affected: yes.

GeneDx
Classification: Pathogenic. Last evaluated: 2021-10-19. Review status: criteria provided, single submitter. Criteria: GeneDx Variant Classification Process June 2021. Collection method: clinical testing. Allele origin: germline. Affected: yes.
Comment: Frameshift variant predicted to result in protein truncation or nonsense mediated decay in a gene for which loss-of-function is a known mechanism of disease; This variant is associated with the following publications: (PMID: 23940504, 22848652, 11311042, 14970843, 15025721, 15241801, 15325563, 25333064, 26969326, 18273898, 18641288, 19683999, 24944099, 10729113, 28157192, 29953849, 31370859, 32050993, 31589614, 31980526, 32581362, 31266775, 10909849)

Revvity Omics, Revvity
Classification: Pathogenic. Last evaluated: 2021-10-15. Review status: criteria provided, single submitter. Criteria: ACMG Guidelines, 2015. Collection method: clinical testing. Allele origin: germline.

Ocular Genomics Institute, Massachusetts Eye and Ear
Classification: Pathogenic for Retinitis pigmentosa 39. Last evaluated: 2021-04-08. Review status: criteria provided, single submitter. Criteria: ACMG Guidelines, 2015. Collection method: research. Allele origin: germline. Affected: yes.
Comment: Through a review of available evidence we were able to apply the following criteria: PVS1, PM2, PP1, PP3. Based on this evidence we have classified this variant as Pathogenic.

Broad Center for Mendelian Genomics, Broad Institute of MIT and Harvard
Classification: Pathogenic for Retinitis pigmentosa. Last evaluated: 2021-04-01. Review status: criteria provided, single submitter. Criteria: ACMG Guidelines, 2015. Collection method: curation. Allele origin: germline. Inheritance: Autosomal recessive inheritance. Affected: yes.
Comment: Through a review of available evidence we were able to apply the following criteria: PVS1, PM2, PP1, PP3. Based on this evidence we have classified this variant as Pathogenic. If you have any questions about the classification please reach out to the Pierce Lab.

Mayo Clinic Laboratories, Mayo Clinic
Classification: Pathogenic for Usher syndrome type 2A. Last evaluated: 2018-05-09. Review status: criteria provided, single submitter. Criteria: ACMG Guidelines, 2015. Collection method: clinical testing. Allele origin: maternal.

Center of Genomic medicine, Geneva, University Hospital of Geneva
Classification: Pathogenic for Usher syndrome type 2A. Last evaluated: 2016-11-08. Review status: criteria provided, single submitter. Criteria: ACMG Guidelines, 2015. Collection method: clinical testing. Allele origin: germline. Affected: yes.

Eurofins Ntd Llc (ga)
Classification: Pathogenic. Last evaluated: 2015-04-24. Review status: criteria provided, single submitter. Criteria: EGL Classification Definitions. Collection method: clinical testing. Allele origin: germline. Observed: 3 variant alleles, 3 heterozygotes.

Laboratory for Molecular Medicine, Mass General Brigham Personalized Medicine
Classification: Pathogenic for Rare genetic deafness. Last evaluated: 2014-07-08. Review status: criteria provided, single submitter. Criteria: LMM Criteria. Collection method: clinical testing. Allele origin: germline. Inheritance: Autosomal recessive inheritance. Observed: 3 variant alleles.
Comment: The His308fs variant has been reported in many probands with Usher syndrome type II, many of whom were homozygous or compound heterozygous (Weston 2000, Sandber g 2008, Aller 2004, Dreyer 2008, Dreyer 2000, Jaijo 2009, Leroy 2001, Ouyang 200 4, Pennings 2004, Seyedahmadi 2004). In addition, the His308fs variant is predic ted to cause a frameshift, which alters the protein's amino acid sequence beginn ing at codon 308 and leads to a premature stop codon 16 codons downstream. This alteration is then predicted to lead to a truncated or absent protein. In summar y, this variant meets our criteria to be classified as pathogenic.

Genomics England Pilot Project, Genomics England
Classification: Pathogenic for Retinitis pigmentosa 39. Review status: criteria provided, single submitter. Criteria: ACGS Guidelines, 2016. Collection method: clinical testing. Allele origin: germline. Affected: yes.

Department of Clinical Genetics, Copenhagen University Hospital, Rigshospitalet
Classification: Pathogenic for Retinitis pigmentosa. Last evaluated: 2018-04-01. Review status: no assertion criteria provided. Collection method: research. Allele origin: unknown. Affected: yes. Study: VeluxRD. Not counted in ClinVar's aggregate classification.

Joint Genome Diagnostic Labs from Nijmegen and Maastricht, Radboudumc and MUMC+
Classification: Pathogenic for Retinitis pigmentosa 39. Last evaluated: 2016-09-01. Review status: no assertion criteria provided. Collection method: clinical testing. Allele origin: unknown. Affected: yes. Observed: 1 variant allele. Not counted in ClinVar's aggregate classification.

Counsyl
Classification: Pathogenic for Usher syndrome type 2A. Last evaluated: 2016-08-18. Review status: no assertion criteria provided. Collection method: clinical testing. Allele origin: unknown. Not counted in ClinVar's aggregate classification.

Counsyl
Classification: Pathogenic for Retinitis pigmentosa 39. Last evaluated: 2016-08-18. Review status: no assertion criteria provided. Collection method: clinical testing. Allele origin: unknown. Not counted in ClinVar's aggregate classification.

NIHR Bioresource Rare Diseases, University of Cambridge
Classification: Pathogenic for Usher syndrome. Last evaluated: 2015-01-01. Review status: no assertion criteria provided. Collection method: research. Allele origin: unknown. Affected: yes. Observed: 2 variant alleles. Not counted in ClinVar's aggregate classification.

NIHR Bioresource Rare Diseases, University of Cambridge
Classification: Pathogenic for Retinitis pigmentosa. Last evaluated: 2015-01-01. Review status: no assertion criteria provided. Collection method: research. Allele origin: unknown. Affected: yes. Observed: 2 variant alleles. Not counted in ClinVar's aggregate classification.

Clinical Genetics DNA and cytogenetics Diagnostics Lab, Erasmus MC, Erasmus Medical Center
Classification: Pathogenic. Review status: no assertion criteria provided. Collection method: clinical testing. Allele origin: germline. Affected: yes. Study: VKGL Data-share Consensus. Not counted in ClinVar's aggregate classification.

Joint Genome Diagnostic Labs from Nijmegen and Maastricht, Radboudumc and MUMC+
Classification: Pathogenic. Review status: no assertion criteria provided. Collection method: clinical testing. Allele origin: germline. Affected: yes. Study: VKGL Data-share Consensus. Not counted in ClinVar's aggregate classification.

Literature cited by the submitters: PubMed 10729113 (cited by 6 submitters); PubMed 10909849 (cited by 3 submitters); PubMed 20507924 (cited by Labcorp Genetics (formerly Invitae), Labcorp); PubMed 25649381 (cited by Labcorp Genetics (formerly Invitae), Labcorp); PubMed 23940504 (cited by 3 submitters); PubMed 26806561 (cited by Labcorp Genetics (formerly Invitae), Labcorp); PubMed 26969326 (cited by 3 submitters); PubMed 18273898 (cited by Women's Health and Genetics/Laboratory Corporation of America, LabCorp and Laboratory for Molecular Medicine, Mass General Brigham Personalized Medicine); PubMed 27460420 (cited by Women's Health and Genetics/Laboratory Corporation of America, LabCorp); PubMed 33089500 (cited by Women's Health and Genetics/Laboratory Corporation of America, LabCorp); PubMed 34948090 (cited by Women's Health and Genetics/Laboratory Corporation of America, LabCorp); PubMed 24944099 (cited by 3 submitters); PubMed 19683999 (cited by 3 submitters); PubMed 18641288 (cited by 3 submitters); PubMed 16963483 (cited by Ocular Genomics Institute, Massachusetts Eye and Ear and Broad Center for Mendelian Genomics, Broad Institute of MIT and Harvard); PubMed 15325563 (cited by 3 submitters); PubMed 15241801 (cited by 3 submitters); PubMed 15025721 (cited by 3 submitters); PubMed 11311042 (cited by 3 submitters); PubMed 34906470 (cited by Broad Center for Mendelian Genomics, Broad Institute of MIT and Harvard); PubMed 14970843 (cited by Laboratory for Molecular Medicine, Mass General Brigham Personalized Medicine); PubMed 30718709 (cited by Department of Clinical Genetics, Copenhagen University Hospital, Rigshospitalet); PubMed 28041643 (cited by NIHR Bioresource Rare Diseases, University of Cambridge).